The following is an entry in ClinVar:

ClinVar aggregate classification (germline): Uncertain significance (1 of 4 stars; one submission).

Conditions:
Partial hypoxanthine-guanine phosphoribosyltransferase deficiency. Also called: GOUT, HPRT-RELATED; HPRT DEFICIENCY, PARTIAL; HYPOXANTHINE GUANINE PHOSPHORIBOSYLTRANSFERASE 1 DEFICIENCY, PARTIAL; Kelley-Seegmiller Syndrome; HPRT1 DEFICIENCY, PARTIAL. Identifiers: Orphanet 79233, MedGen C0268117, MONDO:0010299, OMIM 300323.
Lesch-Nyhan syndrome (LNS). Also called: Lesch-Nyhan Disease (LND); HPRT DEFICIENCY, COMPLETE. Identifiers: Orphanet 510, MedGen C0023374, MONDO:0010298, OMIM 300322.

Submission:

Labcorp Genetics (formerly Invitae), Labcorp
Classification: Uncertain significance for Lesch-Nyhan syndrome; Partial hypoxanthine-guanine phosphoribosyltransferase deficiency. Last evaluated: 2024-10-23. Review status: criteria provided, single submitter. Criteria: Invitae Variant Classification Sherloc (09022015). Collection method: clinical testing. Allele origin: germline.
Comment: This sequence change replaces valine, which is neutral and non-polar, with methionine, which is neutral and non-polar, at codon 53 of the HPRT1 protein (p.Val53Met). This variant is not present in population databases (gnomAD no frequency). This missense change has been observed in individual(s) with hyperuricemia (PMID: 1301916). An algorithm developed to predict the effect of missense changes on protein structure and function (PolyPhen-2) suggests that this variant is likely to be tolerated. In summary, the available evidence is currently insufficient to determine the role of this variant in disease. Therefore, it has been classified as a Variant of Uncertain Significance.

Literature cited by the submitters: PubMed 1301916.

NM_000194.3(HPRT1):c.157G>A (p.Val53Met)

Gene: HPRT1 (hypoxanthine phosphoribosyltransferase 1; plus strand). Cytogenetic location: Xq26.2.
Variant type: single nucleotide variant.
Coding change: c.157G>A on transcript NM_000194.3 (MANE Select); coding-DNA position 157, G replaced by A.
Protein change: p.Val53Met; replaces valine 53 with methionine.
Molecular consequence: missense variant.
Genome position (GRCh38, 1-based): chrX:134,475,203, G>A. VCF-style: chrX-134475203-G-A. GRCh37 (hg19) VCF-style: chrX-133609233-G-A.
Other names: short protein forms V53M.
Identifiers: ClinVar variation 3759673 (VCV003759673.2).
Genomic context (GRCh38, chrX:134,475,203, plus strand): 5'-TGAAACTTTCTATTAAATTCCTGATTTTATTTCTGTAGGACTGAACGTCTTGCTCGAGAT[G>A]TGATGAAGGAGATGGGAGGCCATCACATTGTAGCCCTCTGTGTGCTCAAGGGGGGCTATA-3'
Protein context (NP_000185.1, residues 43-63): MDRTERLARD[Val53Met]MKEMGGHHIV